The following is an entry in ClinVar:

NM_015338.6(ASXL1):c.888G>A (p.Gly296=)

Gene: ASXL1 (ASXL transcriptional regulator 1; plus strand). Cytogenetic location: 20q11.21.
Variant type: single nucleotide variant.
Coding change: c.888G>A on transcript NM_015338.6 (MANE Select); coding-DNA position 888, G replaced by A.
Protein change: p.Gly296=; no amino-acid change (glycine 296 retained).
Molecular consequence: synonymous variant.
Genome position (GRCh38, 1-based): chr20:32,431,588, G>A. VCF-style: chr20-32431588-G-A. GRCh37 (hg19) VCF-style: chr20-31019391-G-A.
Other names: c.705G>A, p.Gly235= (NM_001363734.1).
Identifiers: ClinVar variation 3957555 (VCV003957555.2).
Genomic context (GRCh38, chr20:32,431,588, plus strand): 5'-TCTGTTCTCTTTTAAGTTTATTTATTAGGATTTTTTTCCCCCTTGATCCTTCTAGGTGGG[G>A]ACGGATGGCCTGTTGCGTCTCAGCAGCAGTGCACTAAATAACGAGTTTTTTACCCATGCG-3'
Protein context (NP_056153.2, residues 286-306): FLLPEVDRQV[Gly296=]TDGLLRLSSS

ClinVar aggregate classification (germline): Likely benign. Review status: criteria provided, multiple submitters, no conflicts (2 of 4 stars). 2 submissions from 2 submitters: Likely benign (2). Last evaluated 2025-06-24.

Conditions:
Inborn genetic diseases. Identifiers: MedGen C0950123, MeSH D030342.
ASXL1-related disorder. Also called: ASXL1-related condition; ASXL1-related disorders.

gnomAD v4.1: 11 of 1,614,126 alleles (0.00068%); highest among the groups gnomAD compares: South Asian, 0.011%; no homozygotes.

Submissions (2):

PreventionGenetics, part of Exact Sciences
Classification: Likely benign for ASXL1-related condition. Last evaluated: 2025-06-24. Review status: criteria provided, single submitter. Criteria: ACMG Guidelines, 2015. Collection method: clinical testing. Allele origin: germline.
Comment: This variant is classified as likely benign based on ACMG/AMP sequence variant interpretation guidelines (Richards et al. 2015 PMID: 25741868, with internal and published modifications).

Ambry Genetics
Classification: Likely benign for Inborn genetic diseases. Last evaluated: 2025-06-02. Review status: criteria provided, single submitter. Criteria: Ambry Variant Classification Scheme 2023. Collection method: clinical testing. Allele origin: germline.